The following is an entry in ClinVar:

ClinVar aggregate classification (germline): Uncertain significance (1 of 4 stars; one submission).

Conditions:
Luscan-Lumish syndrome. Identifiers: Orphanet 597738, MedGen C4085873, MONDO:0014791, OMIM 616831.

Allele frequency attached by ClinVar (database versions not stated): TOPMed below 0.00001; ExAC 0.00001; gnomAD 0.00001; gnomAD exomes 0.00001 and 0.00002.
gnomAD v4.1: 17 of 1,614,102 alleles (0.0011%); highest among the groups gnomAD compares: Non-Finnish European, 0.0014%; no homozygotes.

Submission:

Labcorp Genetics (formerly Invitae), Labcorp
Classification: Uncertain significance for Luscan-Lumish syndrome. Last evaluated: 2020-10-01. Review status: criteria provided, single submitter. Criteria: Invitae Variant Classification Sherloc (09022015). Collection method: clinical testing. Allele origin: germline.
Comment: This variant is present in population databases (rs750887950, ExAC 0.001%). This sequence change replaces asparagine with tyrosine at codon 1257 of the SETD2 protein (p.Asn1257Tyr). The asparagine residue is moderately conserved and there is a large physicochemical difference between asparagine and tyrosine. In summary, the available evidence is currently insufficient to determine the role of this variant in disease. Therefore, it has been classified as a Variant of Uncertain Significance. Algorithms developed to predict the effect of missense changes on protein structure and function (SIFT, PolyPhen-2, Align-GVGD) all suggest that this variant is likely to be tolerated, but these predictions have not been confirmed by published functional studies and their clinical significance is uncertain. This variant has not been reported in the literature in individuals with SETD2-related disease.

NM_014159.7(SETD2):c.3769A>T (p.Asn1257Tyr)

Gene: SETD2 (SET domain containing 2, histone lysine methyltransferase; minus strand). Cytogenetic location: 3p21.31.
Variant type: single nucleotide variant.
Coding change: c.3769A>T on transcript NM_014159.7 (MANE Select); coding-DNA position 3769, A replaced by T.
Protein change: p.Asn1257Tyr; replaces asparagine 1257 with tyrosine.
Molecular consequence: missense variant. On other transcripts: non-coding transcript variant (1).
Genome position (GRCh38, 1-based): chr3:47,120,867, T>A on the plus strand (A>T on the coding strand, the complement: SETD2 is on the minus strand). VCF-style: chr3-47120867-T-A. GRCh37 (hg19) VCF-style: chr3-47162357-T-A.
Other names: c.3637A>T, p.Asn1213Tyr (NM_001349370.3); short protein forms N1213Y, N1257Y.
Identifiers: ClinVar variation 641456 (VCV000641456.7), dbSNP rs750887950, ClinGen allele CA2363334.